The following is an entry in ClinVar:

NM_001375405.1(CEP120):c.2358+1G>C

Gene: CEP120 (centrosomal protein 120; minus strand). Cytogenetic location: 5q23.2.
Variant type: single nucleotide variant.
Coding change: c.2358+1G>C on transcript NM_001375405.1 (MANE Select); the canonical splice donor site of the intron after coding-DNA position 2358, G replaced by C.
Molecular consequence: splice donor variant.
Genome position (GRCh38, 1-based): chr5:123,377,373, C>G on the plus strand (G>C on the coding strand, the complement: CEP120 is on the minus strand). VCF-style: chr5-123377373-C-G. GRCh37 (hg19) VCF-style: chr5-122713067-C-G.
Other names: c.2280+1G>C (NM_001166226.2); c.2358+1G>C (NM_153223.4, NM_001375407.1); c.1785+1G>C (NM_001375408.1, NM_001375409.1); c.2223+1G>C (NM_001375406.1).
Identifiers: ClinVar variation 429254 (VCV000429254.2), dbSNP rs1131691280, ClinGen allele CA360898182.

ClinVar aggregate classification (germline): Likely pathogenic (1 of 4 stars; one submission).

Submission:

GeneDx
Classification: Likely pathogenic. Last evaluated: 2017-05-03. Review status: criteria provided, single submitter. Criteria: GeneDx Variant Classification (06012015). Collection method: clinical testing. Allele origin: germline. Affected: yes.
Comment: The c.2358+1G>C variant in the CEP120 gene has not been reported previously as a pathogenic variant nor as a benign variant, to our knowledge. This splice site variant destroys the canonical splice donor site in intron 17, which is predicted to cause abnormal gene splicing. The c.2358+1G>C variant is not observed in large population cohorts (Lek et al., 2016; 1000 Genomes Consortium et al., 2015; Exome Variant Server). We interpret c.2358+1G>C as a likely pathogenic variant.